The following is an entry in ClinVar:

ClinVar aggregate classification (germline): Likely benign. Review status: criteria provided, single submitter (1 of 4 stars). 2 submissions from 2 submitters: Likely benign (1). 1 of the submissions does not count toward it. Last evaluated 2024-10-07.

Conditions:
BIN1-related disorder. Also called: BIN1-related condition.

Allele frequency attached by ClinVar (database versions not stated): ExAC 0.00028; gnomAD exomes 0.00034; 1000 Genomes Project 0.00399; gnomAD 0.00450; 1000 Genomes Project 30x 0.00453; TOPMed 0.00464.
gnomAD v4.1: 1,066 of 1,287,954 alleles (0.083%); highest among the groups gnomAD compares: African/African-American, 1.5%; 10 homozygotes.

Submissions (2):

Blueprint Genetics
Classification: Likely benign. Last evaluated: 2024-10-07. Review status: criteria provided, single submitter. Criteria: ACMG Guidelines, 2015. Collection method: clinical testing. Allele origin: germline.

PreventionGenetics, part of Exact Sciences
Classification: Benign for BIN1-related condition. Last evaluated: 2019-04-02. Review status: no assertion criteria provided. Collection method: clinical testing. Allele origin: germline. Not counted in ClinVar's aggregate classification.
Comment: This variant is classified as benign based on ACMG/AMP sequence variant interpretation guidelines (Richards et al. 2015 PMID: 25741868, with internal and published modifications).

NM_139343.3(BIN1):c.85-5134A>C

Gene: BIN1 (bridging integrator 1; minus strand). Cytogenetic location: 2q14.3.
Variant type: single nucleotide variant.
Coding change: c.85-5134A>C on transcript NM_139343.3 (MANE Select); 5134 bases into the intron before coding-DNA position 85, A replaced by C.
Molecular consequence: intron variant. On other transcripts: missense variant (1).
Genome position (GRCh38, 1-based): chr2:127,081,840, T>G on the plus strand (A>C on the coding strand, the complement: BIN1 is on the minus strand). VCF-style: chr2-127081840-T-G. GRCh37 (hg19) VCF-style: chr2-127839416-T-G.
Other names: c.4A>C, p.Met2Leu (NM_001320634.1); c.3+1749A>C (NM_001320642.1); c.85-5134A>C (NM_139351.3, NM_139350.3, NM_139349.3 and 10 more transcripts); short protein forms M2L.
Identifiers: ClinVar variation 3037715 (VCV003037715.3), dbSNP rs114823563, ClinGen allele CA1857602.